The following is an entry in ClinVar:

ClinVar aggregate classification (germline): Uncertain significance. Review status: criteria provided, multiple submitters, no conflicts (2 of 4 stars). 2 submissions from 2 submitters: Uncertain significance (2). Last evaluated 2022-06-29.

Conditions:
Intellectual developmental disorder, X-linked, syndromic, Siderius type. Also called: Syndromic X-linked intellectual disability Siderius type. Identifiers: Orphanet 85287, MedGen C1846055, MONDO:0010286, OMIM 300263.

Allele frequency attached by ClinVar (database versions not stated): gnomAD exomes 0.00001; gnomAD 0.00001; TOPMed 0.00006.
gnomAD v4.1: 3 of 1,210,643 alleles (0.00025%); highest among the groups gnomAD compares: Middle Eastern, 0.023%; no homozygotes.

Submissions (2):

Dr. med. U. Finckh, Human Genetics, Eurofins MVZ
Classification: Uncertain significance for Intellectual developmental disorder, X-linked, syndromic, Siderius type. Last evaluated: 2022-06-29. Review status: criteria provided, single submitter. Criteria: ACMG Guidelines, 2015. Collection method: clinical testing. Allele origin: maternal. Observed: 1 heterozygote, 1 hemizygote.

Genomic Research Center, Shahid Beheshti University of Medical Sciences
Classification: Uncertain significance for Intellectual developmental disorder, X-linked, syndromic, Siderius type. Last evaluated: 2018-03-05. Review status: criteria provided, single submitter. Criteria: ACMG Guidelines, 2015. Collection method: clinical testing. Allele origin: inherited. Affected: yes. Observed: 1 variant allele.

NM_015107.3(PHF8):c.2258G>A (p.Arg753Gln)

Gene: PHF8 (PHD finger protein 8; minus strand). Cytogenetic location: Xp11.22.
Variant type: single nucleotide variant.
Coding change: c.2258G>A on transcript NM_015107.3 (MANE Select); coding-DNA position 2258, G replaced by A.
Protein change: p.Arg753Gln; replaces arginine 753 with glutamine.
Molecular consequence: missense variant.
Genome position (GRCh38, 1-based): chrX:53,985,099, C>T on the plus strand (G>A on the coding strand, the complement: PHF8 is on the minus strand). VCF-style: chrX-53985099-C-T. GRCh37 (hg19) VCF-style: chrX-54011532-C-T.
Other names: c.2366G>A, p.Arg789Gln (NM_001184896.1); c.1955G>A, p.Arg652Gln (NM_001184897.2); c.2207G>A, p.Arg736Gln (NM_001184898.2); short protein forms R736Q, R753Q, R789Q, R652Q.
Identifiers: ClinVar variation 548534 (VCV000548534.6), dbSNP rs1263803925, ClinGen allele CA413252651.